The following is an entry in ClinVar:

ClinVar aggregate classification (germline): Likely pathogenic (1 of 4 stars; one submission).

Conditions:
Intellectual developmental disorder with dysmorphic facies and behavioral abnormalities. Identifiers: MedGen C4748135, MONDO:0060760, OMIM 618089.

Submission:

Women's Health and Genetics/Laboratory Corporation of America, LabCorp
Classification: Likely pathogenic for Intellectual developmental disorder with dysmorphic facies and behavioral abnormalities. Last evaluated: 2025-03-05. Review status: criteria provided, single submitter. Criteria: LabCorp Variant Classification Summary - May 2015. Collection method: clinical testing. Allele origin: germline.
Comment: Variant summary: FBXO11 c.1718G>A (p.Gly573Glu) results in a non-conservative amino acid change in the encoded protein sequence. Four of four in-silico tools predict a damaging effect of the variant on protein function. The frequency data for this variant in gnomAD is considered unreliable, as metrics indicate poor data quality at this position. c.1718G>A has not been reported in the literature in individuals affected with Intellectual Developmental Disorder With Dysmorphic Facies And Behavioral Abnormalities. To our knowledge, no experimental evidence demonstrating an impact on protein function has been reported. No submitters have cited clinical-significance assessments for this variant to ClinVar. Based on the evidence outlined above, the variant was classified as likely pathogenic.

NM_001190274.2(FBXO11):c.1718G>A (p.Gly573Glu)

Gene: FBXO11 (F-box protein 11; minus strand). Cytogenetic location: 2p16.3.
Variant type: single nucleotide variant.
Coding change: c.1718G>A on transcript NM_001190274.2 (MANE Select); coding-DNA position 1718, G replaced by A.
Protein change: p.Gly573Glu; replaces glycine 573 with glutamic acid.
Molecular consequence: missense variant.
Genome position (GRCh38, 1-based): chr2:47,820,441, C>T on the plus strand (G>A on the coding strand, the complement: FBXO11 is on the minus strand). VCF-style: chr2-47820441-C-T. GRCh37 (hg19) VCF-style: chr2-48047580-C-T.
Other names: c.1466G>A, p.Gly489Glu (NM_001374325.1, NM_025133.4); short protein forms G489E, G573E.
Identifiers: ClinVar variation 3895817 (VCV003895817.1).